The following is an entry in ClinVar:

NM_002691.4(POLD1):c.107A>C (p.Glu36Ala)

Gene: POLD1 (DNA polymerase delta 1, catalytic subunit; plus strand). Cytogenetic location: 19q13.33.
Variant type: single nucleotide variant.
Coding change: c.107A>C on transcript NM_002691.4 (MANE Select); coding-DNA position 107, A replaced by C.
Protein change: p.Glu36Ala; replaces glutamic acid 36 with alanine.
Molecular consequence: missense variant. On other transcripts: non-coding transcript variant (1).
Genome position (GRCh38, 1-based): chr19:50,398,958, A>C. VCF-style: chr19-50398958-A-C. GRCh37 (hg19) VCF-style: chr19-50902215-A-C.
Other names: c.107A>C, p.Glu36Ala (NM_001256849.1, NM_001308632.1); short protein forms E36A.
Identifiers: ClinVar variation 1785842 (VCV001785842.4), dbSNP rs2513932899, ClinGen allele CA406970152.

ClinVar aggregate classification (germline): Uncertain significance. Review status: criteria provided, multiple submitters, no conflicts (2 of 4 stars). 2 submissions from 2 submitters: Uncertain significance (2). Last evaluated 2025-10-14.

Conditions:
POLD1-related polyposis and colorectal cancer syndrome (CRCS10). Also called: Colorectal cancer 10; COLORECTAL CANCER, SUSCEPTIBILITY TO, ON CHROMOSOME 19q; Colorectal cancer, susceptibility to, 10. Identifiers: Orphanet 220460, MedGen C2675481, MONDO:0012953, OMIM 612591.
Hereditary cancer-predisposing syndrome. Also called: Tumor predisposition; Hereditary Cancer Syndrome; Hereditary neoplastic syndrome; Neoplastic Syndromes, Hereditary. Identifiers: Orphanet 140162, MedGen C0027672, MeSH D009386, MONDO:0015356.

Submissions (2):

Labcorp Genetics (formerly Invitae), Labcorp
Classification: Uncertain significance for POLD1-related polyposis and colorectal cancer syndrome. Last evaluated: 2025-10-14. Review status: criteria provided, single submitter. Criteria: Invitae Variant Classification Sherloc (09022015). Collection method: clinical testing. Allele origin: germline.
Comment: This sequence change replaces glutamic acid, which is acidic and polar, with alanine, which is neutral and non-polar, at codon 36 of the POLD1 protein (p.Glu36Ala). This variant is not present in population databases (gnomAD no frequency). This variant has not been reported in the literature in individuals affected with POLD1-related conditions. ClinVar contains an entry for this variant (Variation ID: 1785842). An algorithm developed to predict the effect of missense changes on protein structure and function outputs the following: PolyPhen-2: "Benign". The alanine amino acid residue is found in multiple mammalian species, which suggests that this missense change does not adversely affect protein function. In summary, the available evidence is currently insufficient to determine the role of this variant in disease. Therefore, it has been classified as a Variant of Uncertain Significance.

Ambry Genetics
Classification: Uncertain significance for Hereditary cancer-predisposing syndrome. Last evaluated: 2022-08-13. Review status: criteria provided, single submitter. Criteria: Ambry Variant Classification Scheme 2023. Collection method: clinical testing. Allele origin: germline.
Comment: The p.E36A variant (also known as c.107A>C), located in coding exon 1 of the POLD1 gene, results from an A to C substitution at nucleotide position 107. The glutamic acid at codon 36 is replaced by alanine, an amino acid with dissimilar properties. This amino acid position is conserved. In addition, this alteration is predicted to be tolerated by in silico analysis. Since supporting evidence is limited at this time, the clinical significance of this alteration remains unclear.